The following is an entry in ClinVar:

NM_022455.5(NSD1):c.1302del (p.Lys435fs)

Gene: NSD1 (nuclear receptor binding SET domain protein 1; plus strand). Cytogenetic location: 5q35.3.
Variant type: Deletion.
Coding change: c.1302del on transcript NM_022455.5 (MANE Select); coding-DNA position 1302, one base deleted (C; older notation c.1302delC).
Protein change: p.Lys435fs; shifts the reading frame from lysine 435.
Molecular consequence: frameshift variant.
Genome position (GRCh38, 1-based): chr5:177,209,701, C deleted; the last of 3 consecutive C bases (chr5:177,209,699-177,209,701); deleting any one gives the same sequence. VCF-style (leftmost placement, unchanged base first): chr5-177209698-TC-T. GRCh37 (hg19) VCF-style: chr5-176636699-TC-T.
Other names: c.429del, p.Lys144fs (NM_001365684.2, NM_001409306.1, NM_001409307.1 and 3 more transcripts); c.1302del, p.Lys435fs (NM_001409301.1, NM_001409302.1, NM_001409303.1); c.882del, p.Lys295fs (NM_001409304.1); c.549del, p.Lys184fs (NM_001409305.1); short protein forms K184fs, K295fs, K435fs, K144fs.
Identifiers: ClinVar variation 3407954 (VCV003407954.1).

ClinVar aggregate classification (germline): Pathogenic (1 of 4 stars; one submission).

Conditions:
Inborn genetic diseases. Identifiers: MedGen C0950123, MeSH D030342.

Submission:

Ambry Genetics
Classification: Pathogenic for Inborn genetic diseases. Last evaluated: 2024-08-19. Review status: criteria provided, single submitter. Criteria: Ambry Variant Classification Scheme 2023. Collection method: clinical testing. Allele origin: germline.
Comment: The c.1302delC (p.K435Rfs*42) alteration, located in exon 5 (coding exon 4) of the NSD1 gene, consists of a deletion of one nucleotide at position 1302, causing a translational frameshift with a predicted alternate stop codon after 42 amino acids. This alteration is expected to result in loss of function by premature protein truncation or nonsense-mediated mRNA decay. This variant was not reported in population-based cohorts in the Genome Aggregation Database (gnomAD). Based on the available evidence, this alteration is classified as pathogenic.